The following is an entry in ClinVar:

NM_017668.3(NDE1):c.784C>T (p.Arg262Trp)

Gene: NDE1 (nudE neurodevelopment protein 1; plus strand). Cytogenetic location: 16p13.11.
Variant type: single nucleotide variant.
Coding change: c.784C>T on transcript NM_017668.3 (MANE Select); coding-DNA position 784, C replaced by T.
Protein change: p.Arg262Trp; replaces arginine 262 with tryptophan.
Molecular consequence: missense variant.
Genome position (GRCh38, 1-based): chr16:15,694,245, C>T. VCF-style: chr16-15694245-C-T. GRCh37 (hg19) VCF-style: chr16-15788102-C-T.
Other names: c.784C>T, p.Arg262Trp (NM_001143979.2); c.784C>T (NM_001143979.1); short protein forms R262W.
Identifiers: ClinVar variation 3717246 (VCV003717246.3).

ClinVar aggregate classification (germline): Uncertain significance. Review status: criteria provided, multiple submitters, no conflicts (2 of 4 stars). 2 submissions from 2 submitters: Uncertain significance (2). Last evaluated 2025-10-29.

Conditions:
Inborn genetic diseases. Identifiers: MedGen C0950123, MeSH D030342.

Submissions (2):

Ambry Genetics
Classification: Uncertain significance for Inborn genetic diseases. Last evaluated: 2025-10-29. Review status: criteria provided, single submitter. Criteria: Ambry Variant Classification Scheme 2023. Collection method: clinical testing. Allele origin: germline.

Labcorp Genetics (formerly Invitae), Labcorp
Classification: Uncertain significance. Last evaluated: 2024-10-23. Review status: criteria provided, single submitter. Criteria: Invitae Variant Classification Sherloc (09022015). Collection method: clinical testing. Allele origin: germline.
Comment: This sequence change replaces arginine, which is basic and polar, with tryptophan, which is neutral and slightly polar, at codon 262 of the NDE1 protein (p.Arg262Trp). This variant is present in population databases (rs756520283, gnomAD 0.006%). This variant has not been reported in the literature in individuals affected with NDE1-related conditions. Invitae Evidence Modeling of protein sequence and biophysical properties (such as structural, functional, and spatial information, amino acid conservation, physicochemical variation, residue mobility, and thermodynamic stability) indicates that this missense variant is expected to disrupt NDE1 protein function with a positive predictive value of 80%. In summary, the available evidence is currently insufficient to determine the role of this variant in disease. Therefore, it has been classified as a Variant of Uncertain Significance.